The following is an entry in ClinVar:

ClinVar aggregate classification (germline): Uncertain significance. Review status: criteria provided, multiple submitters, no conflicts (2 of 4 stars). 3 submissions from 3 submitters: Uncertain significance (3). Last evaluated 2024-11-11.

Conditions:
Retinitis pigmentosa (RP). Identifiers: Orphanet 791, MedGen C0035334, MeSH D012174, MONDO:0019200, OMIM 268000. Inheritance: Autosomal dominant, autosomal recessive and X linked inheritance.

Allele frequency attached by ClinVar (database versions not stated): gnomAD 0.00007 and 0.00008; gnomAD exomes 0.00009; TOPMed 0.00009; ExAC 0.00011; ESP Exome Variant Server 0.00024.
gnomAD v4.1: 165 of 1,614,048 alleles (0.01%); highest among the groups gnomAD compares: Non-Finnish European, 0.013%; no homozygotes.

Submissions (3):

Labcorp Genetics (formerly Invitae), Labcorp
Classification: Uncertain significance. Last evaluated: 2024-11-11. Review status: criteria provided, single submitter. Criteria: Invitae Variant Classification Sherloc (09022015). Collection method: clinical testing. Allele origin: germline.
Comment: This sequence change replaces arginine, which is basic and polar, with tryptophan, which is neutral and slightly polar, at codon 212 of the PCARE protein (p.Arg212Trp). This variant is present in population databases (rs368688827, gnomAD 0.02%). This variant has not been reported in the literature in individuals affected with PCARE-related conditions. ClinVar contains an entry for this variant (Variation ID: 335670). An algorithm developed to predict the effect of missense changes on protein structure and function outputs the following: PolyPhen-2: "Benign". The tryptophan amino acid residue is found in multiple mammalian species, which suggests that this missense change does not adversely affect protein function. In summary, the available evidence is currently insufficient to determine the role of this variant in disease. Therefore, it has been classified as a Variant of Uncertain Significance.

Blueprint Genetics
Classification: Uncertain significance. Last evaluated: 2023-11-22. Review status: criteria provided, single submitter. Criteria: ACMG Guidelines, 2015. Collection method: clinical testing. Allele origin: germline.

Illumina Laboratory Services, Illumina
Classification: Uncertain significance for Retinitis pigmentosa. Last evaluated: 2018-01-13. Review status: criteria provided, single submitter. Criteria: ICSL Variant Classification Criteria 13 December 2019. Collection method: clinical testing. Allele origin: germline.

NM_001029883.3(PCARE):c.634C>T (p.Arg212Trp)

Gene: PCARE (photoreceptor cilium actin regulator; minus strand). Cytogenetic location: 2p23.2.
Variant type: single nucleotide variant.
Coding change: c.634C>T on transcript NM_001029883.3 (MANE Select); coding-DNA position 634, C replaced by T.
Protein change: p.Arg212Trp; replaces arginine 212 with tryptophan.
Molecular consequence: missense variant.
Genome position (GRCh38, 1-based): chr2:29,073,628, G>A on the plus strand (C>T on the coding strand, the complement: PCARE is on the minus strand). VCF-style: chr2-29073628-G-A. GRCh37 (hg19) VCF-style: chr2-29296494-G-A.
Other names: short protein forms R212W.
Identifiers: ClinVar variation 335670 (VCV000335670.13), dbSNP rs368688827, ClinGen allele CA1592613.